The following is an entry in ClinVar:

ClinVar aggregate classification (germline): Likely benign. Review status: criteria provided, single submitter (1 of 4 stars). 2 submissions from 2 submitters: Likely benign (1). 1 of the submissions does not count toward it. Last evaluated 2025-01-07.

Conditions:
KIDINS220-related disorder. Also called: KIDINS220-related condition.

Allele frequency attached by ClinVar (database versions not stated): gnomAD 0.00001; gnomAD exomes 0.00002; ExAC 0.00005.
gnomAD v4.1: 31 of 1,584,394 alleles (0.002%); highest among the groups gnomAD compares: South Asian, 0.025%; no homozygotes.

Submissions (2):

Labcorp Genetics (formerly Invitae), Labcorp
Classification: Likely benign. Last evaluated: 2025-01-07. Review status: criteria provided, single submitter. Criteria: Invitae Variant Classification Sherloc (09022015). Collection method: clinical testing. Allele origin: germline.

PreventionGenetics, part of Exact Sciences
Classification: Likely benign for KIDINS220-related condition. Last evaluated: 2021-09-27. Review status: no assertion criteria provided. Collection method: clinical testing. Allele origin: germline. Not counted in ClinVar's aggregate classification.
Comment: This variant is classified as likely benign based on ACMG/AMP sequence variant interpretation guidelines (Richards et al. 2015 PMID: 25741868, with internal and published modifications).

NM_020738.4(KIDINS220):c.1443C>T (p.Asp481=)

Gene: KIDINS220 (kinase D interacting substrate 220; minus strand). Cytogenetic location: 2p25.1.
Variant type: single nucleotide variant.
Coding change: c.1443C>T on transcript NM_020738.4 (MANE Select); coding-DNA position 1443, C replaced by T.
Protein change: p.Asp481=; no amino-acid change (aspartic acid 481 retained).
Molecular consequence: synonymous variant. On other transcripts: non-coding transcript variant (2).
Genome position (GRCh38, 1-based): chr2:8,790,058, G>A on the plus strand (C>T on the coding strand, the complement: KIDINS220 is on the minus strand). VCF-style: chr2-8790058-G-A. GRCh37 (hg19) VCF-style: chr2-8930188-G-A.
Other names: c.1443C>T, p.Asp481= (NM_001348735.2, NM_001348738.2, NM_001348741.2 and 3 more transcripts); c.1317C>T, p.Asp439= (NM_001348736.2); c.1446C>T, p.Asp482= (NM_001348739.2, NM_001348740.2, NM_001348745.2 and 3 more transcripts); c.1443C>T (NM_020738.2).
Identifiers: ClinVar variation 2967496 (VCV002967496.4), dbSNP rs775820409, ClinGen allele CA1520183.